The following is an entry in ClinVar:

NM_001029896.2(WDR45):c.403C>G (p.Leu135Val)

Gene: WDR45 (WD repeat domain 45; minus strand). Cytogenetic location: Xp11.23.
Variant type: single nucleotide variant.
Coding change: c.403C>G on transcript NM_001029896.2 (MANE Select); coding-DNA position 403, C replaced by G.
Protein change: p.Leu135Val; replaces leucine 135 with valine.
Molecular consequence: missense variant.
Genome position (GRCh38, 1-based): chrX:49,076,463, G>C on the plus strand (C>G on the coding strand, the complement: WDR45 is on the minus strand). VCF-style: chrX-49076463-G-C. GRCh37 (hg19) VCF-style: chrX-48934122-G-C.
Other names: c.406C>G, p.Leu136Val (NM_007075.4); short protein forms L135V, L136V.
Identifiers: ClinVar variation 3643980 (VCV003643980.2).

ClinVar aggregate classification (germline): Uncertain significance (1 of 4 stars; one submission).

Conditions:
Neurodegeneration with brain iron accumulation 5 (NBIA5). Also called: STATIC ENCEPHALOPATHY OF CHILDHOOD WITH NEURODEGENERATION IN ADULTHOOD; Beta-propeller protein-associated neurodegeneration. Identifiers: Orphanet 329284, MedGen C3550973, MONDO:0010476, OMIM 300894.

Submission:

Labcorp Genetics (formerly Invitae), Labcorp
Classification: Uncertain significance for Neurodegeneration with brain iron accumulation 5. Last evaluated: 2024-03-12. Review status: criteria provided, single submitter. Criteria: Invitae Variant Classification Sherloc (09022015). Collection method: clinical testing. Allele origin: germline.
Comment: This sequence change replaces leucine, which is neutral and non-polar, with valine, which is neutral and non-polar, at codon 136 of the WDR45 protein (p.Leu136Val). This variant is not present in population databases (gnomAD no frequency). This variant has not been reported in the literature in individuals affected with WDR45-related conditions. Advanced modeling of protein sequence and biophysical properties (such as structural, functional, and spatial information, amino acid conservation, physicochemical variation, residue mobility, and thermodynamic stability) performed at Invitae indicates that this missense variant is not expected to disrupt WDR45 protein function with a negative predictive value of 80%. Algorithms developed to predict the effect of sequence changes on RNA splicing suggest that this variant may create or strengthen a splice site. In summary, the available evidence is currently insufficient to determine the role of this variant in disease. Therefore, it has been classified as a Variant of Uncertain Significance.